The following is an entry in ClinVar:

ClinVar aggregate classification (germline): Uncertain significance (1 of 4 stars; one submission).

Submission:

GeneDx
Classification: Uncertain significance. Last evaluated: 2024-04-11. Review status: criteria provided, single submitter. Criteria: GeneDx Variant Classification Process June 2021. Collection method: clinical testing. Allele origin: germline. Affected: yes.
Comment: Published functional studies suggest this variant alters interactions with various Win motif peptide ligands; however, additional studies are needed to validate the functional effect of this variant in vivo (PMID: 35613319); Not observed at significant frequency in large population cohorts (gnomAD); In silico analysis supports that this missense variant has a deleterious effect on protein structure/function; This variant is associated with the following publications: (PMID: 35613319)

NM_017588.3(WDR5):c.524C>T (p.Ser175Leu)

Gene: WDR5 (WD repeat domain 5; plus strand). Cytogenetic location: 9q34.2.
Variant type: single nucleotide variant.
Coding change: c.524C>T on transcript NM_017588.3 (MANE Select); coding-DNA position 524, C replaced by T.
Protein change: p.Ser175Leu; replaces serine 175 with leucine.
Molecular consequence: missense variant.
Genome position (GRCh38, 1-based): chr9:134,142,715, C>T. VCF-style: chr9-134142715-C-T. GRCh37 (hg19) VCF-style: chr9-137007837-C-T.
Other names: c.524C>T, p.Ser175Leu (NM_001384409.1, NM_001384410.1, NM_001384411.1 and 6 more transcripts); c.515C>T, p.Ser172Leu (NM_001384417.1); c.395C>T, p.Ser132Leu (NM_001384418.1, NM_001384419.1); short protein forms S132L, S172L, S175L.
Identifiers: ClinVar variation 3372271 (VCV003372271.1).